The following is an entry in ClinVar:

NM_144997.7(FLCN):c.52A>T (p.Thr18Ser)

Gene: FLCN (folliculin; minus strand). Cytogenetic location: 17p11.2.
Variant type: single nucleotide variant.
Coding change: c.52A>T on transcript NM_144997.7 (MANE Select); coding-DNA position 52, A replaced by T.
Protein change: p.Thr18Ser; replaces threonine 18 with serine.
Molecular consequence: missense variant.
Genome position (GRCh38, 1-based): chr17:17,228,086, T>A on the plus strand (A>T on the coding strand, the complement: FLCN is on the minus strand). VCF-style: chr17-17228086-T-A. GRCh37 (hg19) VCF-style: chr17-17131400-T-A.
Other names: c.52A>T, p.Thr18Ser (NM_001353229.2, NM_001353230.2, NM_001353231.2 and 1 more transcripts); short protein forms T18S.
Identifiers: ClinVar variation 2844342 (VCV002844342.4), dbSNP rs761993256, ClinGen allele CA398535427.

ClinVar aggregate classification (germline): Uncertain significance. Review status: criteria provided, multiple submitters, no conflicts (2 of 4 stars). 2 submissions from 2 submitters: Uncertain significance (2). Last evaluated 2026-03-29.

Conditions:
Hereditary cancer-predisposing syndrome. Also called: Hereditary neoplastic syndrome; Neoplastic Syndromes, Hereditary; Tumor predisposition; Hereditary Cancer Syndrome. Identifiers: Orphanet 140162, MedGen C0027672, MeSH D009386, MONDO:0015356.
Birt-Hogg-Dube syndrome. Also called: Birt Hogg Dubé syndrome. Identifiers: Orphanet 122, MedGen C0346010, MONDO:0800444.

Submissions (2):

Ambry Genetics
Classification: Uncertain significance for Hereditary cancer-predisposing syndrome. Last evaluated: 2026-03-29. Review status: criteria provided, single submitter. Criteria: Ambry Variant Classification Scheme 2023. Collection method: clinical testing. Allele origin: germline.
Comment: The p.T18S variant (also known as c.52A>T), located in coding exon 1 of the FLCN gene, results from an A to T substitution at nucleotide position 52. The threonine at codon 18 is replaced by serine, an amino acid with similar properties. This amino acid position is conserved. In addition, this alteration is predicted to be deleterious by in silico analysis. Based on the available evidence, the clinical significance of this variant remains unclear.

Labcorp Genetics (formerly Invitae), Labcorp
Classification: Uncertain significance for Birt-Hogg-Dube syndrome. Last evaluated: 2025-12-03. Review status: criteria provided, single submitter. Criteria: Invitae Variant Classification Sherloc (09022015). Collection method: clinical testing. Allele origin: germline.
Comment: This sequence change replaces threonine, which is neutral and polar, with serine, which is neutral and polar, at codon 18 of the FLCN protein (p.Thr18Ser). This variant is not present in population databases (gnomAD no frequency). This variant has not been reported in the literature in individuals affected with FLCN-related conditions. ClinVar contains an entry for this variant (Variation ID: 2844342). Invitae Evidence Modeling of protein sequence and biophysical properties (such as structural, functional, and spatial information, amino acid conservation, physicochemical variation, residue mobility, and thermodynamic stability) indicates that this missense variant is not expected to disrupt FLCN protein function with a negative predictive value of 80%. In summary, the available evidence is currently insufficient to determine the role of this variant in disease. Therefore, it has been classified as a Variant of Uncertain Significance.